The following is an entry in ClinVar:

ClinVar aggregate classification (germline): Uncertain significance (1 of 4 stars; one submission).

gnomAD v4.1: 8 of 1,613,582 alleles (0.0005%); highest among the groups gnomAD compares: East Asian, 0.018%; no homozygotes.

Submission:

Labcorp Genetics (formerly Invitae), Labcorp
Classification: Uncertain significance. Last evaluated: 2025-07-02. Review status: criteria provided, single submitter. Criteria: Invitae Variant Classification Sherloc (09022015). Collection method: clinical testing. Allele origin: germline.
Comment: This sequence change replaces arginine, which is basic and polar, with proline, which is neutral and non-polar, at codon 1230 of the ERBB2 protein (p.Arg1230Pro). This variant is present in population databases (rs372043866, gnomAD 0.03%). This missense change has been observed in individual(s) with breast cancer (PMID: 29072371). ClinVar contains an entry for this variant (Variation ID: 1439975). An algorithm developed to predict the effect of missense changes on protein structure and function (PolyPhen-2) suggests that this variant is likely to be tolerated. In summary, the available evidence is currently insufficient to determine the role of this variant in disease. Therefore, it has been classified as a Variant of Uncertain Significance.

Literature cited by the submitters: PubMed 29072371.

NM_004448.4(ERBB2):c.3689G>C (p.Arg1230Pro)

Gene: ERBB2 (erb-b2 receptor tyrosine kinase 2; plus strand). Cytogenetic location: 17q12.
Variant type: single nucleotide variant.
Coding change: c.3689G>C on transcript NM_004448.4 (MANE Select); coding-DNA position 3689, G replaced by C.
Protein change: p.Arg1230Pro; replaces arginine 1230 with proline.
Molecular consequence: missense variant. On other transcripts: 3 prime UTR variant (2), non-coding transcript variant (1).
Genome position (GRCh38, 1-based): chr17:39,727,965, G>C. VCF-style: chr17-39727965-G-C. GRCh37 (hg19) VCF-style: chr17-37884218-G-C.
Other names: c.3599G>C, p.Arg1200Pro (NM_001005862.3, NM_001382782.1, NM_001382783.1); c.3644G>C, p.Arg1215Pro (NM_001289936.2); c.*268G>C (NM_001289937.2, NM_001382803.1); c.3806G>C, p.Arg1269Pro (NM_001382784.1); c.3791G>C, p.Arg1264Pro (NM_001382785.1); c.3770G>C, p.Arg1257Pro (NM_001382786.1); c.3764G>C, p.Arg1255Pro (NM_001382787.1); c.3719G>C, p.Arg1240Pro (NM_001382788.1); and 16 more; short protein forms R1200P, R1201P, R1214P, R1229P, R1264P, R884P, R954P, R1162P.
Identifiers: ClinVar variation 1439975 (VCV001439975.6), dbSNP rs372043866, ClinGen allele CA8534601.